The following is an entry in ClinVar:

ClinVar aggregate classification (germline): Benign (1 of 4 stars; one submission).

Conditions:
Colorectal cancer, susceptibility to, 1. Also called: COLORECTAL ADENOMA AND CANCER, SUSCEPTIBILITY TO; COLORECTAL CANCER, SUSCEPTIBILITY TO, ON CHROMOSOME 9. Identifiers: MedGen C1837315, MONDO:0012132, OMIM 608812.

Submission:

Myriad Genetics, Inc.
Classification: Benign for Colorectal cancer, susceptibility to, 1. Last evaluated: 2026-04-24. Review status: criteria provided, single submitter. Criteria: Myriad Autosomal Dominant, Autosomal Recessive and X-Linked Classification Criteria (2023). Collection method: clinical testing. Allele origin: unknown.
Comment: This variant is considered benign. This variant is a silent/synonymous amino acid change and it is not expected to impact splicing.

NM_024642.5(GALNT12):c.924A>T (p.Pro308=)

Gene: GALNT12 (polypeptide N-acetylgalactosaminyltransferase 12; plus strand). Cytogenetic location: 9q22.33.
Variant type: single nucleotide variant.
Coding change: c.924A>T on transcript NM_024642.5 (MANE Select); coding-DNA position 924, A replaced by T.
Protein change: p.Pro308=; no amino-acid change (proline 308 retained).
Molecular consequence: synonymous variant.
Genome position (GRCh38, 1-based): chr9:98,835,255, A>T. VCF-style: chr9-98835255-A-T. GRCh37 (hg19) VCF-style: chr9-101597537-A-T.
Identifiers: ClinVar variation 4876142 (VCV004876142.1).